The following is an entry in ClinVar:

ClinVar aggregate classification (germline): Uncertain significance. Review status: criteria provided, multiple submitters, no conflicts (2 of 4 stars). 2 submissions from 2 submitters: Uncertain significance (2). Last evaluated 2026-03-24.

gnomAD v4.1: 3 of 1,611,168 alleles (0.00019%); highest among the groups gnomAD compares: Non-Finnish European, 0.00025%; no homozygotes.

Submissions (2):

GeneDx
Classification: Uncertain significance. Last evaluated: 2026-03-24. Review status: criteria provided, single submitter. Criteria: GeneDx Variant Classification Process June 2021. Collection method: clinical testing. Allele origin: germline.
Comment: Not observed at significant frequency in large population cohorts (gnomAD); In silico analysis supports that this missense variant has a deleterious effect on protein structure/function; Has not been previously published as pathogenic or benign to our knowledge

Labcorp Genetics (formerly Invitae), Labcorp
Classification: Uncertain significance. Last evaluated: 2024-06-13. Review status: criteria provided, single submitter. Criteria: Invitae Variant Classification Sherloc (09022015). Collection method: clinical testing. Allele origin: germline.
Comment: This sequence change replaces serine, which is neutral and polar, with tyrosine, which is neutral and polar, at codon 105 of the DNA2 protein (p.Ser105Tyr). This variant is not present in population databases (gnomAD no frequency). This variant has not been reported in the literature in individuals affected with DNA2-related conditions. Advanced modeling of protein sequence and biophysical properties (such as structural, functional, and spatial information, amino acid conservation, physicochemical variation, residue mobility, and thermodynamic stability) performed at Invitae indicates that this missense variant is not expected to disrupt DNA2 protein function with a negative predictive value of 80%. In summary, the available evidence is currently insufficient to determine the role of this variant in disease. Therefore, it has been classified as a Variant of Uncertain Significance.

NM_001080449.3(DNA2):c.314C>A (p.Ser105Tyr)

Gene: DNA2 (DNA replication helicase/nuclease 2; minus strand). Cytogenetic location: 10q21.3.
Variant type: single nucleotide variant.
Coding change: c.314C>A on transcript NM_001080449.3 (MANE Select); coding-DNA position 314, C replaced by A.
Protein change: p.Ser105Tyr; replaces serine 105 with tyrosine.
Molecular consequence: missense variant. On other transcripts: non-coding transcript variant (1).
Genome position (GRCh38, 1-based): chr10:68,468,250, G>T on the plus strand (C>A on the coding strand, the complement: DNA2 is on the minus strand). VCF-style: chr10-68468250-G-T. GRCh37 (hg19) VCF-style: chr10-70228007-G-T.
Other names: c.314C>A (NM_001080449.2); short protein forms S105Y.
Identifiers: ClinVar variation 3679676 (VCV003679676.3).